The following is an entry in ClinVar:

ClinVar aggregate classification (germline): Uncertain significance. Review status: criteria provided, multiple submitters, no conflicts (2 of 4 stars). 3 submissions from 3 submitters: Uncertain significance (2). 1 of the submissions does not count toward it. Last evaluated 2022-03-07.

Conditions:
Primary ciliary dyskinesia. Also called: Ciliary dyskinesia. Identifiers: Orphanet 244, MedGen C0008780, MONDO:0016575, HP:0012265.
Primary ciliary dyskinesia 3. Identifiers: Orphanet 244, MedGen C1837618, MONDO:0012085, OMIM 608644.

gnomAD v4.1: 3 of 1,612,164 alleles (0.00019%); highest among the groups gnomAD compares: Non-Finnish European, 0.00025%; no homozygotes.

Submissions (3):

Fulgent Genetics
Classification: Uncertain significance for Primary ciliary dyskinesia 3. Last evaluated: 2022-03-07. Review status: criteria provided, single submitter. Criteria: ACMG Guidelines, 2015. Collection method: clinical testing. Allele origin: unknown.

Labcorp Genetics (formerly Invitae), Labcorp
Classification: Uncertain significance for Primary ciliary dyskinesia. Last evaluated: 2021-08-31. Review status: criteria provided, single submitter. Criteria: Invitae Variant Classification Sherloc (09022015). Collection method: clinical testing. Allele origin: germline.
Comment: This sequence change replaces leucine with phenylalanine at codon 547 of the DNAH5 protein (p.Leu547Phe). The leucine residue is highly conserved and there is a small physicochemical difference between leucine and phenylalanine. This variant is not present in population databases (ExAC no frequency). This variant has not been reported in the literature in individuals affected with DNAH5-related conditions. Algorithms developed to predict the effect of missense changes on protein structure and function are either unavailable or do not agree on the potential impact of this missense change (SIFT: "Deleterious"; PolyPhen-2: "Possibly Damaging"; Align-GVGD: "Class C0"). In summary, the available evidence is currently insufficient to determine the role of this variant in disease. Therefore, it has been classified as a Variant of Uncertain Significance.

Department of Pathology and Laboratory Medicine, Sinai Health System
Classification: Uncertain significance. Review status: no assertion criteria provided. Collection method: clinical testing. Allele origin: unknown. Affected: yes. Study: The Canadian Open Genetics Repository (COGR). Not counted in ClinVar's aggregate classification.
Comment: The DNAH5 p.L547F variant was not identified in the literature nor was it identified in dbSNP, ClinVar, Cosmic, LOVD 3.0 or in the following control databases: the 1000 Genomes Project, the NHLBI GO Exome Sequencing Project, the Exome Aggregation Consortium (August 8th 2016), or the Genome Aggregation Database (Feb 27, 2017).The p.Leu547 residue is conserved in mammals and computational analyses (PolyPhen-2, SIFT, AlignGVGD, BLOSUM, MutationTaster) provide inconsistent predictions regarding the impact to the protein; this information is not very predictive of pathogenicity. The variant occurs outside of the splicing consensus sequence and three of four in silico or computational prediction software programs (SpliceSiteFinder, MaxEntScan, NNSPLICE, GeneSplicer) do not predict a difference in splicing. In summary, based on the above information the clinical significance of this variant cannot be determined with certainty at this time. This variant is classified as a variant of uncertain significance.

NM_001369.3(DNAH5):c.1639C>T (p.Leu547Phe)

Gene: DNAH5 (dynein axonemal heavy chain 5; minus strand). Cytogenetic location: 5p15.2.
Variant type: single nucleotide variant.
Coding change: c.1639C>T on transcript NM_001369.3 (MANE Select); coding-DNA position 1639, C replaced by T.
Protein change: p.Leu547Phe; replaces leucine 547 with phenylalanine.
Molecular consequence: missense variant.
Genome position (GRCh38, 1-based): chr5:13,911,391, G>A on the plus strand (C>T on the coding strand, the complement: DNAH5 is on the minus strand). VCF-style: chr5-13911391-G-A. GRCh37 (hg19) VCF-style: chr5-13911500-G-A.
Other names: short protein forms L547F.
Identifiers: ClinVar variation 1050130 (VCV001050130.4), dbSNP rs1775975227, ClinGen allele CA359211592.